The following is an entry in ClinVar:

ClinVar aggregate classification (germline): Uncertain significance (1 of 4 stars; one submission).

Conditions:
Dilated cardiomyopathy 1G (CMD1G). Identifiers: Orphanet 154, MedGen C1858763, MONDO:0011400, OMIM 604145.
Autosomal recessive limb-girdle muscular dystrophy type 2J (LGMDR10). Also called: Limb-girdle muscular dystrophy, type 2J; MUSCULAR DYSTROPHY, LIMB-GIRDLE, AUTOSOMAL RECESSIVE 10. Identifiers: Orphanet 140922, MedGen C1837342, MONDO:0012127, OMIM 608807.

Submission:

Labcorp Genetics (formerly Invitae), Labcorp
Classification: Uncertain significance for Dilated cardiomyopathy 1G; Autosomal recessive limb-girdle muscular dystrophy type 2J. Last evaluated: 2022-06-03. Review status: criteria provided, single submitter. Criteria: Invitae Variant Classification Sherloc (09022015). Collection method: clinical testing. Allele origin: germline.
Comment: This sequence change replaces alanine, which is neutral and non-polar, with lysine, which is basic and polar, at codon 33983 of the TTN protein (p.Ala33983Lys). In summary, the available evidence is currently insufficient to determine the role of this variant in disease. Therefore, it has been classified as a Variant of Uncertain Significance. This variant is located in the M band of TTN (PMID: 25589632). Variants in this region may be relevant for neuromuscular disorders, but have not been definitively shown to cause cardiomyopathy (PMID: 23975875). Experimental studies and prediction algorithms are not available or were not evaluated, and the functional significance of this variant is currently unknown. ClinVar contains an entry for this variant (Variation ID: 965185). This variant has not been reported in the literature in individuals affected with TTN-related conditions. Information on the frequency of this variant in the gnomAD database is not available, as this variant may be reported differently in the database.

Literature cited by the submitters: PubMed 25589632; PubMed 23975875.

NM_001267550.2(TTN):c.101947_101948delinsAA (p.Ala33983Lys)

Genes: TTN (titin; minus strand), TTN-AS1 (TTN antisense RNA 1; plus strand). Cytogenetic location: 2q31.2.
Variant type: Indel.
Coding change: c.101947_101948delinsAA on transcript NM_001267550.2 (MANE Select); coding-DNA positions 101947 to 101948, GC replaced by AA.
Protein change: p.Ala33983Lys; replaces alanine 33983 with lysine.
Molecular consequence: missense variant.
Genome position (GRCh38, 1-based): chr2:178,534,667-178,534,668, GC replaced by TT on the plus strand (GC replaced by AA on the coding strand, the reverse complement: TTN is on the minus strand). VCF-style: chr2-178534667-GC-TT. GRCh37 (hg19) VCF-style: chr2-179399394-GC-TT.
Other names: c.97024_97025delinsAA, p.Ala32342Lys (NM_001256850.1); c.74752_74753delinsAA, p.Ala24918Lys (NM_003319.4); c.94243_94244delinsAA, p.Ala31415Lys (NM_133378.4); c.75127_75128delinsAA, p.Ala25043Lys (NM_133432.3); c.75328_75329delinsAA, p.Ala25110Lys (NM_133437.4); short protein forms A24918K, A25043K, A32342K, A25110K, A33983K, A31415K.
Identifiers: ClinVar variation 965185 (VCV000965185.10), dbSNP rs1690652304, ClinGen allele CA1139657408.
Genomic context (GRCh38, chr2:178,534,667, plus strand): 5'-GTTCCAAGTGACCACATGTCTGTGGCTGTGCTGACAACATCATGCTGGTGGACTTCAGGT[GC>TT]ATAGTATTCTGGGGCAGTGAATAGAAGCCTGAAGTTGTCCCCTGGTTTCAGCTGACGGGC-3'
Protein context (NP_001254479.2, residues 33973-33993): RLLFTAPEYY[Ala33983Lys]PEVHQHDVVS